The following is an entry in ClinVar:

ClinVar aggregate classification (germline): Benign/Likely benign. Review status: criteria provided, multiple submitters, no conflicts (2 of 4 stars). 8 submissions from 8 submitters: Benign (2); Likely benign (6). Last evaluated 2026-01-17.

Conditions:
Amyotrophic lateral sclerosis, susceptibility to, 24. Identifiers: MedGen C4693523, MONDO:0054750, OMIM 617892.
Short-rib thoracic dysplasia 6 with or without polydactyly (SRTD6). Also called: SHORT-RIB THORACIC DYSPLASIA 6 WITH POLYDACTYLY; SHORT-RIB THORACIC DYSPLASIA 6 WITHOUT POLYDACTYLY; POLYDACTYLY WITH NEONATAL CHONDRODYSTROPHY, TYPE II; SHORT RIB-POLYDACTYLY SYNDROME, TYPE IIA; Majewski Syndrome. Identifiers: MedGen C0024507, MONDO:0009894, OMIM 263520.

Allele frequency attached by ClinVar (database versions not stated): gnomAD exomes 0.00032 and 0.00134; gnomAD 0.00098; ExAC 0.00117; TOPMed 0.00140; 1000 Genomes Project 0.00200; 1000 Genomes Project 30x 0.00234.
gnomAD v4.1: 627 of 1,593,210 alleles (0.039%); highest among the groups gnomAD compares: Admixed American, 0.94%; 1 homozygote.

Submissions (8):

Labcorp Genetics (formerly Invitae), Labcorp
Classification: Benign for Short-rib thoracic dysplasia 6 with or without polydactyly. Last evaluated: 2026-01-17. Review status: criteria provided, single submitter. Criteria: Invitae Variant Classification Sherloc (09022015). Collection method: clinical testing. Allele origin: germline.

CeGaT Center for Human Genetics Tuebingen
Classification: Likely benign. Last evaluated: 2026-01-01. Review status: criteria provided, single submitter. Criteria: CeGaT Center For Human Genetics Tuebingen Variant Classification Criteria Version 2. Collection method: clinical testing. Allele origin: germline. Affected: yes. Observed: 1 variant allele.
Comment: NEK1: BP4, BP7

ARUP Laboratories, Molecular Genetics and Genomics, ARUP Laboratories
Classification: Likely benign. Last evaluated: 2024-12-05. Review status: criteria provided, single submitter. Criteria: ARUP Molecular Germline Variant Investigation Process 2024. Collection method: clinical testing. Allele origin: germline.

Blueprint Genetics
Classification: Likely benign. Last evaluated: 2024-11-25. Review status: criteria provided, single submitter. Criteria: ACMG Guidelines, 2015. Collection method: clinical testing. Allele origin: germline.

Fulgent Genetics
Classification: Likely benign for Short-rib thoracic dysplasia 6 with or without polydactyly; Amyotrophic lateral sclerosis, susceptibility to, 24. Last evaluated: 2022-05-18. Review status: criteria provided, single submitter. Criteria: ACMG Guidelines, 2015. Collection method: clinical testing. Allele origin: unknown.

GeneDx
Classification: Likely benign. Last evaluated: 2021-07-26. Review status: criteria provided, single submitter. Criteria: GeneDx Variant Classification Process June 2021. Collection method: clinical testing. Allele origin: germline. Affected: yes.

Eurofins Ntd Llc (ga)
Classification: Benign. Last evaluated: 2015-10-01. Review status: criteria provided, single submitter. Criteria: EGL Classification Definitions 2015. Collection method: clinical testing. Allele origin: germline. Observed: 1 variant allele, 1 heterozygote.

Breakthrough Genomics
Classification: Likely benign. Review status: criteria provided, single submitter. Criteria: ACMG Guidelines, 2015. Collection method: not provided. Allele origin: germline. Inheritance: Autosomal recessive inheritance. Affected: yes.

NM_001199397.3(NEK1):c.3213C>T (p.Asn1071=)

Gene: NEK1 (NIMA related kinase 1; minus strand). Cytogenetic location: 4q33.
Variant type: single nucleotide variant.
Coding change: c.3213C>T on transcript NM_001199397.3 (MANE Select); coding-DNA position 3213, C replaced by T.
Protein change: p.Asn1071=; no amino-acid change (asparagine 1071 retained).
Molecular consequence: synonymous variant. On other transcripts: non-coding transcript variant (1).
Genome position (GRCh38, 1-based): chr4:169,424,562, G>A on the plus strand (C>T on the coding strand, the complement: NEK1 is on the minus strand). VCF-style: chr4-169424562-G-A. GRCh37 (hg19) VCF-style: chr4-170345713-G-A.
Other names: c.3081C>T, p.Asn1027= (NM_001199398.3); c.2922C>T, p.Asn974= (NM_001199399.3); c.2997C>T, p.Asn999= (NM_001199400.3); c.3213C>T, p.Asn1071= (NM_001374418.1); c.3129C>T, p.Asn1043= (NM_001374419.1, NM_012224.4); c.3078C>T, p.Asn1026= (NM_001374420.1); c.2730C>T, p.Asn910= (NM_001374421.1).
Identifiers: ClinVar variation 283728 (VCV000283728.25), dbSNP rs184324310, ClinGen allele CA3137221.